The following is an entry in ClinVar:

NM_006648.4(WNK2):c.3950C>T (p.Pro1317Leu)

Gene: WNK2 (WNK lysine deficient protein kinase 2; plus strand). Cytogenetic location: 9q22.31.
Variant type: single nucleotide variant.
Coding change: c.3950C>T on transcript NM_006648.4 (MANE Select); coding-DNA position 3950, C replaced by T.
Protein change: p.Pro1317Leu; replaces proline 1317 with leucine.
Molecular consequence: missense variant.
Genome position (GRCh38, 1-based): chr9:93,268,663, C>T. VCF-style: chr9-93268663-C-T. GRCh37 (hg19) VCF-style: chr9-96030945-C-T.
Other names: c.3950C>T, p.Pro1317Leu (NM_001282394.3); short protein forms P1317L.
Identifiers: ClinVar variation 3817118 (VCV003817118.1).

ClinVar aggregate classification (germline): Uncertain significance (1 of 4 stars; one submission).

gnomAD v4.1: 7 of 1,613,406 alleles (0.00043%); highest among the groups gnomAD compares: African/African-American, 0.0013%; no homozygotes.

Submission:

Ambry Genetics
Classification: Uncertain significance. Last evaluated: 2025-02-21. Review status: criteria provided, single submitter. Criteria: Ambry Variant Classification Scheme 2023. Collection method: clinical testing. Allele origin: germline.
Comment: The p.P1317L variant (also known as c.3950C>T), located in coding exon 18 of the WNK2 gene, results from a C to T substitution at nucleotide position 3950. The proline at codon 1317 is replaced by leucine, an amino acid with similar properties. This amino acid position is conserved. In addition, this alteration is predicted to be deleterious by in silico analysis. Based on the available evidence, the clinical significance of this variant remains unclear.